The following is an entry in ClinVar:

ClinVar aggregate classification (germline): Uncertain significance (1 of 4 stars; one submission).

Submission:

Labcorp Genetics (formerly Invitae), Labcorp
Classification: Uncertain significance. Last evaluated: 2022-01-19. Review status: criteria provided, single submitter. Criteria: Invitae Variant Classification Sherloc (09022015). Collection method: clinical testing. Allele origin: germline.
Comment: In summary, the available evidence is currently insufficient to determine the role of this variant in disease. Therefore, it has been classified as a Variant of Uncertain Significance. This variant has not been reported in the literature in individuals affected with COL11A2-related conditions. Advanced modeling of protein sequence and biophysical properties (such as structural, functional, and spatial information, amino acid conservation, physicochemical variation, residue mobility, and thermodynamic stability) performed at Invitae indicates that this missense variant is expected to disrupt COL11A2 protein function. This variant is not present in population databases (gnomAD no frequency). This sequence change replaces glycine, which is neutral and non-polar, with serine, which is neutral and polar, at codon 1414 of the COL11A2 protein (p.Gly1414Ser).

NM_080680.3(COL11A2):c.4240G>A (p.Gly1414Ser)

Gene: COL11A2 (collagen type XI alpha 2 chain; minus strand). Cytogenetic location: 6p21.32.
Variant type: single nucleotide variant.
Coding change: c.4240G>A on transcript NM_080680.3 (MANE Select); coding-DNA position 4240, G replaced by A.
Protein change: p.Gly1414Ser; replaces glycine 1414 with serine.
Molecular consequence: missense variant.
Genome position (GRCh38, 1-based): chr6:33,166,818, C>T on the plus strand (G>A on the coding strand, the complement: COL11A2 is on the minus strand). VCF-style: chr6-33166818-C-T. GRCh37 (hg19) VCF-style: chr6-33134595-C-T.
Other names: c.3919G>A, p.Gly1307Ser (NM_080679.3); c.3982G>A, p.Gly1328Ser (NM_080681.3); short protein forms G1328S, G1307S, G1414S.
Identifiers: ClinVar variation 2060476 (VCV002060476.4), dbSNP rs2534536308, ClinGen allele CA363621459.
Genomic context (GRCh38, chr6:33,166,818, plus strand): 5'-GAAGTCCCCGATCTCCCTTCTCTCCCTGCTCACCCGGGGGCCCAATCAGTCCAATGAGAC[C>T]TGGGTGGCCCTAGAGAAGGGTGCAGGCAGTCAAGAGAATGCAAAGAGGAGTCATGTGGAT-3'
Protein context (NP_542411.2, residues 1404-1424): AGAKGEKGHP[Gly1414Ser]LIGLIGPPGE